The following is an entry in ClinVar:

ClinVar aggregate classification (germline): Uncertain significance. Review status: criteria provided, multiple submitters, no conflicts (2 of 4 stars). 2 submissions from 2 submitters: Uncertain significance (2). Last evaluated 2025-01-07.

Allele frequency attached by ClinVar (database versions not stated): gnomAD exomes 0.00002 and 0.00005; gnomAD 0.00003 and 0.00004; ExAC 0.00006; TOPMed 0.00006; ESP Exome Variant Server 0.00008.
gnomAD v4.1: 38 of 1,612,246 alleles (0.0024%); highest among the groups gnomAD compares: Middle Eastern, 0.049%; no homozygotes.

Submissions (2):

Labcorp Genetics (formerly Invitae), Labcorp
Classification: Uncertain significance. Last evaluated: 2025-01-07. Review status: criteria provided, single submitter. Criteria: Invitae Variant Classification Sherloc (09022015). Collection method: clinical testing. Allele origin: germline.
Comment: This sequence change replaces isoleucine, which is neutral and non-polar, with threonine, which is neutral and polar, at codon 868 of the RBP3 protein (p.Ile868Thr). This variant is present in population databases (rs367744823, gnomAD 0.02%). This missense change has been observed in individual(s) with retinitis pigmentosa (PMID: 28512305). ClinVar contains an entry for this variant (Variation ID: 1358950). Invitae Evidence Modeling of protein sequence and biophysical properties (such as structural, functional, and spatial information, amino acid conservation, physicochemical variation, residue mobility, and thermodynamic stability) has been performed for this missense variant. However, the output from this modeling did not meet the statistical confidence thresholds required to predict the impact of this variant on RBP3 protein function. In summary, the available evidence is currently insufficient to determine the role of this variant in disease. Therefore, it has been classified as a Variant of Uncertain Significance.

Blueprint Genetics
Classification: Uncertain significance. Last evaluated: 2023-11-08. Review status: criteria provided, single submitter. Criteria: ACMG Guidelines, 2015. Collection method: clinical testing. Allele origin: germline.

Literature cited by the submitters: PubMed 28512305 (cited by Labcorp Genetics (formerly Invitae), Labcorp).

NM_002900.3(RBP3):c.2603T>C (p.Ile868Thr)

Gene: RBP3 (retinol binding protein 3; plus strand). Cytogenetic location: 10q11.22.
Variant type: single nucleotide variant.
Coding change: c.2603T>C on transcript NM_002900.3 (MANE Select); coding-DNA position 2603, T replaced by C.
Protein change: p.Ile868Thr; replaces isoleucine 868 with threonine.
Molecular consequence: missense variant.
Genome position (GRCh38, 1-based): chr10:47,351,087, T>C. VCF-style: chr10-47351087-T-C. GRCh37 (hg19) VCF-style: chr10-48388275-A-G.
Other names: short protein forms I868T.
Identifiers: ClinVar variation 1358950 (VCV001358950.9), dbSNP rs367744823, ClinGen allele CA5487239.